The following is an entry in ClinVar:

ClinVar aggregate classification (germline): Benign. Review status: criteria provided, multiple submitters, no conflicts (2 of 4 stars). 4 submissions from 4 submitters: Benign (4). Last evaluated 2026-02-04.

Conditions:
Combined immunodeficiency due to ORAI1 deficiency. Also called: IMMUNODEFICIENCY 9. Identifiers: Orphanet 169090, Orphanet 317428, MedGen C2748568, MONDO:0013007, OMIM 612782.
Myopathy, tubular aggregate, 2 (TAM2). Identifiers: MedGen C4014557, MONDO:0014383, OMIM 615883.

Allele frequency attached by ClinVar (database versions not stated): ESP Exome Variant Server 0.13963; gnomAD 0.14694 and 0.15526; TOPMed 0.16083; 1000 Genomes Project 30x 0.20159; 1000 Genomes Project 0.20387.

Submissions (4):

Labcorp Genetics (formerly Invitae), Labcorp
Classification: Benign for Myopathy, tubular aggregate, 2; Combined immunodeficiency due to ORAI1 deficiency. Last evaluated: 2026-02-04. Review status: criteria provided, single submitter. Criteria: Invitae Variant Classification Sherloc (09022015). Collection method: clinical testing. Allele origin: germline.

Unidad de Genómica Garrahan, Hospital de Pediatría Garrahan
Classification: Benign. Last evaluated: 2024-01-24. Review status: criteria provided, single submitter. Criteria: ACMG Guidelines, 2015. Collection method: clinical testing. Allele origin: germline. Affected: no. Observed: 48 variant alleles.
Comment: This variant is classified as Benign based on local population frequency. This variant was detected in 51% of patients studied by a panel of primary immunodeficiencies. Number of patients: 48. Only high quality variants are reported.

GeneDx
Classification: Benign. Last evaluated: 2015-10-20. Review status: criteria provided, single submitter. Criteria: GeneDx Variant Classification (06012015). Collection method: clinical testing. Allele origin: germline. Affected: yes.
Comment: This variant is considered likely benign or benign based on one or more of the following criteria: it is a conservative change, it occurs at a poorly conserved position in the protein, it is predicted to be benign by multiple in silico algorithms, and/or has population frequency not consistent with disease.

Breakthrough Genomics
Classification: Benign. Review status: criteria provided, single submitter. Criteria: ACMG Guidelines, 2015. Collection method: not provided. Allele origin: germline. Inheritance: Autosomal recessive inheritance. Affected: yes.

NM_032790.4(ORAI1):c.546C>T (p.Ile182=)

Gene: ORAI1 (ORAI calcium release-activated calcium modulator 1; plus strand). Cytogenetic location: 12q24.31.
Variant type: single nucleotide variant.
Coding change: c.546C>T on transcript NM_032790.4 (MANE Select); coding-DNA position 546, C replaced by T.
Protein change: p.Ile182=; no amino-acid change (isoleucine 182 retained).
Genome position (GRCh38, 1-based): chr12:121,641,283, C>T. VCF-style: chr12-121641283-C-T. GRCh37 (hg19) VCF-style: chr12-122079189-C-T.
Identifiers: ClinVar variation 379393 (VCV000379393.14), dbSNP rs3741595, ClinGen allele CA6837512.